The following is an entry in ClinVar:

ClinVar aggregate classification (germline): Pathogenic (1 of 4 stars; one submission).

Conditions:
BBS2-related ciliopathy. Identifiers: MedGen CN378634, MONDO:1040048.

Submission:

Myriad Genetics, Inc.
Classification: Pathogenic for BBS2-related ciliopathy. Last evaluated: 2025-08-25. Review status: criteria provided, single submitter. Criteria: Myriad Autosomal Dominant, Autosomal Recessive and X-Linked Classification Criteria (2023). Collection method: clinical testing. Allele origin: unknown.
Comment: NM_031885.3(BBS2):c.1044delG(L349Cfs*19) is expected to be pathogenic in the context of Bardet-Biedl syndrome, BBS2-related. This variant is predicted to lead to an abnormal or absent protein product due to the creation of a premature termination codon in BBS2, a gene where loss-of-function variants are known to be pathogenic. Please note: this variant was assessed in the context of healthy population screening.

NM_031885.5(BBS2):c.1044del (p.Leu349fs)

Gene: BBS2 (Bardet-Biedl syndrome 2; minus strand). Cytogenetic location: 16q13.
Variant type: Deletion.
Coding change: c.1044del on transcript NM_031885.5 (MANE Select); coding-DNA position 1044, one base deleted (G; older notation c.1044delG).
Protein change: p.Leu349fs; shifts the reading frame from leucine 349.
Molecular consequence: frameshift variant. On other transcripts: non-coding transcript variant (5).
Genome position (GRCh38, 1-based): chr16:56,502,353, C deleted on the plus strand (G on the coding strand, the reverse complement: BBS2 is on the minus strand). VCF-style (leftmost placement, unchanged base first): chr16-56502352-AC-A. GRCh37 (hg19) VCF-style: chr16-56536264-AC-A.
Other names: c.1044del, p.Leu349fs (NM_001377456.1); short protein forms L349fs.
Identifiers: ClinVar variation 5014915 (VCV005014915.1).